The following is an entry in ClinVar:

ClinVar aggregate classification (germline): Uncertain significance. Review status: criteria provided, single submitter (1 of 4 stars). 2 submissions from 1 submitter: Uncertain significance (1). 1 of the submissions does not count toward it. Last evaluated 2022-07-20.

Conditions:
Aicardi-Goutieres syndrome 3. Identifiers: Orphanet 51, MedGen C1835916, MONDO:0012471, OMIM 610329.

Submissions (2):

Labcorp Genetics (formerly Invitae), Labcorp
Classification: Uncertain significance for Aicardi-Goutieres syndrome 3. Last evaluated: 2022-07-20. Review status: criteria provided, single submitter. Criteria: Invitae Variant Classification Sherloc (09022015). Collection method: clinical testing. Allele origin: germline.
Comment: A gross deletion of the genomic region encompassing the full coding sequence of the RNASEH2C gene has been identified. The current clinical and genetic evidence is not sufficient to establish whether loss-of-function variants in RNASEH2C cause disease. The boundaries of this event are unknown as they extend beyond the assayed region for this gene and therefore may encompass additional genes. This variant has not been reported in the literature in individuals affected with RNASEH2C-related conditions. In summary, the available evidence is currently insufficient to determine the role of this variant in disease. Therefore, it has been classified as a Variant of Uncertain Significance.

Labcorp Genetics (formerly Invitae), Labcorp
Classification: Pathogenic. Last evaluated: 2022-07-20. Review status: flagged submission. Criteria: Invitae Variant Classification Sherloc (09022015). Collection method: clinical testing. Allele origin: germline. Not counted in ClinVar's aggregate classification.
Comment: A gross deletion of the genomic region encompassing the full coding sequence of the RELA gene has been identified. Loss-of-function variants in RELA are known to be pathogenic (PMID: 28600438). The boundaries of this event are unknown as they extend beyond the assayed region for this gene and therefore may encompass additional genes. This variant has not been reported in the literature in individuals affected with RELA-related conditions. For these reasons, this variant has been classified as Pathogenic.
ClinVar note: Reason: This record appears to be redundant with a more recent record from the same submitter.
ClinVar note: Notes: SCV003791851 appears to be redundant with SCV003795716.

Literature cited by the submitters: PubMed 28600438.

NC_000011.9:g.(?_65325080)_(65639825_?)del

Genes: AP5B1 (adaptor related protein complex 5 subunit beta 1; minus strand), CFL1 (cofilin 1; minus strand), EFEMP2 (EGF containing fibulin extracellular matrix protein 2; minus strand), EHBP1L1 (EH domain binding protein 1 like 1; plus strand), FAM89B (family with sequence similarity 89 member B; plus strand) and 12 more. Cytogenetic location: 11q13.1.
Variant type: Deletion.
Identifiers: ClinVar variation 2426697 (VCV002426697.4).